The following is an entry in ClinVar:

ClinVar aggregate classification (germline): Uncertain significance (1 of 4 stars; one submission).

Conditions:
Atrial fibrillation, familial, 7 (ATFB7). Identifiers: MedGen C2677106, MONDO:0012828, OMIM 612240.

Allele frequency attached by ClinVar (database versions not stated): gnomAD exomes below 0.00001; ExAC 0.00001; TOPMed 0.00001.

Submission:

Labcorp Genetics (formerly Invitae), Labcorp
Classification: Uncertain significance for Atrial fibrillation, familial, 7. Last evaluated: 2023-06-02. Review status: criteria provided, single submitter. Criteria: Invitae Variant Classification Sherloc (09022015). Collection method: clinical testing. Allele origin: germline.
Comment: An algorithm developed to predict the effect of missense changes on protein structure and function (PolyPhen-2) suggests that this variant is likely to be disruptive. In summary, the available evidence is currently insufficient to determine the role of this variant in disease. Therefore, it has been classified as a Variant of Uncertain Significance. ClinVar contains an entry for this variant (Variation ID: 946819). This variant has not been reported in the literature in individuals affected with KCNA5-related conditions. This variant is present in population databases (rs774114620, gnomAD 0.006%). This sequence change replaces proline, which is neutral and non-polar, with threonine, which is neutral and polar, at codon 381 of the KCNA5 protein (p.Pro381Thr).

NM_002234.4(KCNA5):c.1141C>A (p.Pro381Thr)

Gene: KCNA5 (potassium voltage-gated channel subfamily A member 5; plus strand). Cytogenetic location: 12p13.32.
Variant type: single nucleotide variant.
Coding change: c.1141C>A on transcript NM_002234.4 (MANE Select); coding-DNA position 1141, C replaced by A.
Protein change: p.Pro381Thr; replaces proline 381 with threonine.
Molecular consequence: missense variant.
Genome position (GRCh38, 1-based): chr12:5,045,288, C>A. VCF-style: chr12-5045288-C-A. GRCh37 (hg19) VCF-style: chr12-5154454-C-A.
Other names: short protein forms P381T.
Identifiers: ClinVar variation 946819 (VCV000946819.9), dbSNP rs774114620, ClinGen allele CA6399806.